The following is an entry in ClinVar:

ClinVar aggregate classification (germline): Pathogenic (1 of 4 stars; one submission).

Conditions:
Neurodevelopmental disorder. Identifiers: MedGen C1535926, MeSH D065886, MONDO:0700092.

Submission:

Victorian Clinical Genetics Services, Murdoch Childrens Research Institute
Classification: Pathogenic for Neurodevelopmental disorder. Last evaluated: 2024-10-08. Review status: criteria provided, single submitter. Criteria: ACMG Guidelines, 2015. Collection method: clinical testing. Allele origin: germline. Inheritance: Autosomal dominant inheritance. Affected: yes.
Comment: Based on the classification scheme VCGS_Germline_v1.3.4, this variant is classified as Pathogenic. Following criteria are met: 0102 - Loss of function is a known mechanism of disease in this gene and is associated with neurodevelopmental disorder (MONDO:0700092), ANK2-related. (I) 0107 - This gene is associated with autosomal dominant disease. (I) 0201 - Variant is predicted to cause nonsense-mediated decay (NMD) and loss of protein (premature termination codon is located at least 54 nucleotides upstream of the final exon-exon junction). (SP) 0219 - This variant is non-coding in an alternative transcript. This variant is coding in the ClinVar predominant transcript, but is non-coding in the majority of transcripts (UCSC). However, this transcript is still expressed (GTex), and described as brain-specific (PMID: 18790697). (I) 0251 - This variant is heterozygous. (I) 0301 - Variant is absent from gnomAD (both v2 and v3). (SP) 0701 - Other variants comparable to the one identified in this case have very strong previous evidence for pathogenicity. These variants have been reported as variants of uncertain significance with limited clinical information, or as pathogenic, and observed in individuals with neurodevelopmental disorders and autism. Several of these variants have been observed in the same exon as this variant (ClinVar, PMID: 28191889, 33087701). (SP) 0807 - This variant has no previous evidence of pathogenicity. (I) 0905 - No published segregation evidence has been identified for this variant. (I) 1007 - No published functional evidence has been identified for this variant. (I) Legend: (SP) - Supporting pathogenic, (I) - Information, (SB) - Supporting benign

Literature cited by the submitters: PubMed 18790697; PubMed 28191889; PubMed 33087701.

NM_001148.6(ANK2):c.10313_10316del (p.Leu3438fs)

Gene: ANK2 (ankyrin 2; plus strand). Cytogenetic location: 4q26.
Variant type: Deletion.
Coding change: c.10313_10316del on transcript NM_001148.6 (MANE Select); coding-DNA positions 10313 to 10316, 4 bases deleted (TTAC; older notation c.10313_10316delTTAC).
Protein change: p.Leu3438fs; shifts the reading frame from leucine 3438.
Molecular consequence: frameshift variant. On other transcripts: intron variant (68).
Genome position (GRCh38, 1-based): chr4:113,358,931-113,358,934, TTAC deleted; deleting any 4 consecutive bases within chr4:113,358,928-113,358,934 gives the same sequence; the c. name uses the placement nearest the transcript's 3' end. VCF-style (leftmost placement, unchanged base first): chr4-113358927-ATACT-A. GRCh37 (hg19) VCF-style: chr4-114280083-ATACT-A.
Other names: c.10079_10082del, p.Leu3360fs (NM_001386142.1); c.6713_6716del, p.Leu2238fs (NM_001386166.1); c.10454_10457del, p.Leu3485fs (NM_001386174.1); c.10430_10433del, p.Leu3477fs (NM_001386175.1); c.4412-1892_4412-1889del (NM_001386186.2, NM_001386148.2); c.4214-1892_4214-1889del (NM_001354269.3); c.4292-1892_4292-1889del (NM_001386187.2); c.4253-1892_4253-1889del (NM_001386147.1); and 35 more; short protein forms L2238fs, L3360fs, L3438fs, L3477fs, L3485fs.
Identifiers: ClinVar variation 3377103 (VCV003377103.1).
Genomic context (GRCh38, chr4:113,358,927, plus strand): 5'-AGCAGAGAGAGGGCCGAGGAACTTGAGTTAGAATCAGAAGAAGGGGCCACAAGACCAAAG[ATACT>A]TACATCCCGATTGCCAGTTAAGAGCAGAAGCACTACATCTTCCTGCAGGGGGGGCACGAG-3'